The following is an entry in ClinVar:

NM_024753.5(TTC21B):c.1492A>G (p.Ile498Val)

Gene: TTC21B (tetratricopeptide repeat domain 21B; minus strand). Cytogenetic location: 2q24.3.
Variant type: single nucleotide variant.
Coding change: c.1492A>G on transcript NM_024753.5 (MANE Select); coding-DNA position 1492, A replaced by G.
Protein change: p.Ile498Val; replaces isoleucine 498 with valine.
Molecular consequence: missense variant.
Genome position (GRCh38, 1-based): chr2:165,924,573, T>C on the plus strand (A>G on the coding strand, the complement: TTC21B is on the minus strand). VCF-style: chr2-165924573-T-C. GRCh37 (hg19) VCF-style: chr2-166781083-T-C.
Other names: short protein forms I498V.
Identifiers: ClinVar variation 1309961 (VCV001309961.2), dbSNP rs1686551183, ClinGen allele CA349062204.

ClinVar aggregate classification (germline): Uncertain significance (1 of 4 stars; one submission).

Allele frequency attached by ClinVar (database versions not stated): gnomAD exomes below 0.00001.
gnomAD v4.1: 1 of 1,613,646 alleles (0.000062%); highest among the groups gnomAD compares: Non-Finnish European, 0.000085%; no homozygotes.

Submission:

GeneDx
Classification: Uncertain significance. Last evaluated: 2019-11-12. Review status: criteria provided, single submitter. Criteria: GeneDx Variant Classification Process June 2021. Collection method: clinical testing. Allele origin: germline. Affected: yes.
Comment: Not observed in large population cohorts (Lek et al., 2016); In silico analysis, which includes protein predictors and evolutionary conservation, supports that this variant does not alter protein structure/function; Has not been previously published as pathogenic or benign to our knowledge